The following is an entry in ClinVar:

ClinVar aggregate classification (germline): Uncertain significance. Review status: criteria provided, multiple submitters, no conflicts (2 of 4 stars). 2 submissions from 2 submitters: Uncertain significance (2). Last evaluated 2024-12-25.

Conditions:
Inborn genetic diseases. Identifiers: MedGen C0950123, MeSH D030342.

Allele frequency attached by ClinVar (database versions not stated): TOPMed 0.00003; ExAC 0.00004.
gnomAD v4.1: 8 of 1,614,254 alleles (0.0005%); highest among the groups gnomAD compares: Admixed American, 0.012%; no homozygotes.

Submissions (2):

Ambry Genetics
Classification: Uncertain significance for Inborn genetic diseases. Last evaluated: 2024-12-25. Review status: criteria provided, single submitter. Criteria: Ambry Variant Classification Scheme 2023. Collection method: clinical testing. Allele origin: germline.

Labcorp Genetics (formerly Invitae), Labcorp
Classification: Uncertain significance. Last evaluated: 2024-04-22. Review status: criteria provided, single submitter. Criteria: Invitae Variant Classification Sherloc (09022015). Collection method: clinical testing. Allele origin: germline.
Comment: This sequence change replaces threonine, which is neutral and polar, with isoleucine, which is neutral and non-polar, at codon 2416 of the SZT2 protein (p.Thr2416Ile). This variant is present in population databases (rs759697344, gnomAD 0.02%). This variant has not been reported in the literature in individuals affected with SZT2-related conditions. ClinVar contains an entry for this variant (Variation ID: 2138636). Advanced modeling of protein sequence and biophysical properties (such as structural, functional, and spatial information, amino acid conservation, physicochemical variation, residue mobility, and thermodynamic stability) performed at Invitae indicates that this missense variant is not expected to disrupt SZT2 protein function with a negative predictive value of 80%. In summary, the available evidence is currently insufficient to determine the role of this variant in disease. Therefore, it has been classified as a Variant of Uncertain Significance.

NM_001365999.1(SZT2):c.7418C>T (p.Thr2473Ile)

Gene: SZT2 (SZT2 subunit of KICSTOR complex; plus strand). Cytogenetic location: 1p34.2.
Variant type: single nucleotide variant.
Coding change: c.7418C>T on transcript NM_001365999.1 (MANE Select); coding-DNA position 7418, C replaced by T.
Protein change: p.Thr2473Ile; replaces threonine 2473 with isoleucine.
Molecular consequence: missense variant.
Genome position (GRCh38, 1-based): chr1:43,441,287, C>T. VCF-style: chr1-43441287-C-T. GRCh37 (hg19) VCF-style: chr1-43906958-C-T.
Other names: c.7247C>T, p.Thr2416Ile (NM_015284.4); c.7247C>T (NM_015284.3); short protein forms T2473I, T2416I.
Identifiers: ClinVar variation 2138636 (VCV002138636.3), dbSNP rs759697344, ClinGen allele CA810221.